The following is an entry in ClinVar:

ClinVar aggregate classification (germline): Likely benign. Review status: criteria provided, multiple submitters, no conflicts (2 of 4 stars). 2 submissions from 2 submitters: Likely benign (2). Last evaluated 2025-10-10.

Conditions:
Early-infantile DEE. Also called: Early infantile epileptic encephalopathy; Ohtahara syndrome; Early infantile epileptic encephalopathy with suppression bursts. Identifiers: Orphanet 1934, MedGen C0393706, MONDO:0800491.

Allele frequency attached by ClinVar (database versions not stated): gnomAD exomes 0.00001 and 0.00002; ExAC 0.00004.
gnomAD v4.1: 5 of 1,614,104 alleles (0.00031%); highest among the groups gnomAD compares: Admixed American, 0.0083%; no homozygotes.

Submissions (2):

Labcorp Genetics (formerly Invitae), Labcorp
Classification: Likely benign for Early-infantile DEE. Last evaluated: 2025-10-10. Review status: criteria provided, single submitter. Criteria: Invitae Variant Classification Sherloc (09022015). Collection method: clinical testing. Allele origin: germline.

GeneDx
Classification: Likely benign. Last evaluated: 2017-11-27. Review status: criteria provided, single submitter. Criteria: GeneDx Variant Classification (06012015). Collection method: clinical testing. Allele origin: germline. Affected: yes.
Comment: This variant is considered likely benign or benign based on one or more of the following criteria: it is a conservative change, it occurs at a poorly conserved position in the protein, it is predicted to be benign by multiple in silico algorithms, and/or has population frequency not consistent with disease.

NM_001130438.3(SPTAN1):c.5358-18T>A

Gene: SPTAN1 (spectrin alpha, non-erythrocytic 1; plus strand). Cytogenetic location: 9q34.11.
Variant type: single nucleotide variant.
Coding change: c.5358-18T>A on transcript NM_001130438.3 (MANE Select); 18 bases into the intron before coding-DNA position 5358, T replaced by A.
Molecular consequence: intron variant.
Genome position (GRCh38, 1-based): chr9:128,617,622, T>A. VCF-style: chr9-128617622-T-A. GRCh37 (hg19) VCF-style: chr9-131379901-T-A.
Other names: c.5358-18T>A (NM_001363759.2); c.5343-18T>A (NM_003127.4); c.5298-18T>A (NM_001363765.2); c.5283-18T>A (NM_001195532.2).
Identifiers: ClinVar variation 513854 (VCV000513854.9), dbSNP rs754212051, ClinGen allele CA5265443.